The following is an entry in ClinVar:

ClinVar aggregate classification (germline): Uncertain significance. Review status: criteria provided, multiple submitters, no conflicts (2 of 4 stars). 3 submissions from 3 submitters: Uncertain significance (3). Last evaluated 2025-05-21.

Conditions:
Joubert syndrome. Also called: JOUBERT-BOLTSHAUSER SYNDROME; Familial aplasia of the vermis. Identifiers: Orphanet 475, MedGen C5979921, MONDO:0018772.
Meckel-Gruber syndrome. Also called: DYSENCEPHALIA SPLANCHNOCYSTICA; GRUBER SYNDROME; Dysencephalia splachnocystica. Identifiers: Orphanet 564, MedGen C0265215, MONDO:0018921.
Meckel syndrome, type 3 (MKS3). Also called: MECKEL-GRUBER SYNDROME, TYPE 3. Identifiers: Orphanet 564, MedGen C1846357, MONDO:0011821, OMIM 607361.
Bardet-Biedl syndrome 14 (BBS14). Identifiers: Orphanet 110, MedGen C2673874, MONDO:0014442, OMIM 615991.
COACH syndrome 1. Identifiers: Orphanet 1454, MedGen C5435651, MONDO:0800103, OMIM 216360, MONDO:0008996.
Nephronophthisis 11 (NPHP11). Identifiers: Orphanet 84081, MedGen C3150796, MONDO:0013302, OMIM 613550.
RHYNS syndrome. Also called: RETINITIS PIGMENTOSA SYNDROME; RETINITIS PIGMENTOSA, HYPOPITUITARISM, NEPHRONOPHTHISIS, AND MILD SKELETAL DYSPLASIA. Identifiers: Orphanet 140976, MedGen C1865794, MONDO:0011202, OMIM 602152.
Joubert syndrome 6 (JBTS6). Identifiers: Orphanet 475, MedGen C1853153, MONDO:0012539, OMIM 610688.
TMEM67-related disorder. Also called: TMEM67-related condition; TMEM67-related disorders. Identifiers: MedGen CN239423.

Allele frequency attached by ClinVar (database versions not stated): TOPMed below 0.00001.
gnomAD v4.1: 11 of 1,613,958 alleles (0.00068%); highest among the groups gnomAD compares: Admixed American, 0.0067%; no homozygotes.

Submissions (3):

PreventionGenetics, part of Exact Sciences
Classification: Uncertain significance for TMEM67-related condition. Last evaluated: 2025-05-21. Review status: criteria provided, single submitter. Criteria: ACMG Guidelines, 2015. Collection method: clinical testing. Allele origin: germline.
Comment: The TMEM67 c.1376C>A variant is predicted to result in the amino acid substitution p.Pro459Gln. To our knowledge, this variant has not been reported in the literature. This variant is reported in 0.0058% of alleles in individuals of Latino descent in gnomAD. At this time, the clinical significance of this variant is uncertain due to the absence of conclusive functional and genetic evidence.

Fulgent Genetics
Classification: Uncertain significance for COACH syndrome 1; RHYNS syndrome; Meckel syndrome, type 3; Joubert syndrome 6; Nephronophthisis 11; Bardet-Biedl syndrome 14. Last evaluated: 2024-05-27. Review status: criteria provided, single submitter. Criteria: ACMG Guidelines, 2015. Collection method: clinical testing. Allele origin: germline.

Labcorp Genetics (formerly Invitae), Labcorp
Classification: Uncertain significance for Joubert syndrome; Meckel-Gruber syndrome. Last evaluated: 2022-06-24. Review status: criteria provided, single submitter. Criteria: Invitae Variant Classification Sherloc (09022015). Collection method: clinical testing. Allele origin: germline.
Comment: This sequence change replaces proline, which is neutral and non-polar, with glutamine, which is neutral and polar, at codon 459 of the TMEM67 protein (p.Pro459Gln). This variant is present in population databases (rs761073115, gnomAD 0.006%). This variant has not been reported in the literature in individuals affected with TMEM67-related conditions. Advanced modeling of protein sequence and biophysical properties (such as structural, functional, and spatial information, amino acid conservation, physicochemical variation, residue mobility, and thermodynamic stability) performed at Invitae indicates that this missense variant is expected to disrupt TMEM67 protein function. In summary, the available evidence is currently insufficient to determine the role of this variant in disease. Therefore, it has been classified as a Variant of Uncertain Significance.

NM_153704.6(TMEM67):c.1376C>A (p.Pro459Gln)

Gene: TMEM67 (transmembrane protein 67; plus strand). Cytogenetic location: 8q22.1.
Variant type: single nucleotide variant.
Coding change: c.1376C>A on transcript NM_153704.6 (MANE Select); coding-DNA position 1376, C replaced by A.
Protein change: p.Pro459Gln; replaces proline 459 with glutamine.
Molecular consequence: missense variant. On other transcripts: non-coding transcript variant (1).
Genome position (GRCh38, 1-based): chr8:93,786,310, C>A. VCF-style: chr8-93786310-C-A. GRCh37 (hg19) VCF-style: chr8-94798538-C-A.
Other names: c.1133C>A, p.Pro378Gln (NM_001142301.1); short protein forms P459Q, P378Q.
Identifiers: ClinVar variation 1901754 (VCV001901754.4), dbSNP rs761073115, ClinGen allele CA181336336.
Genomic context (GRCh38, chr8:93,786,310, plus strand): 5'-CTCGGCGCATTTTCTTAGTGGATGCAGTAAGTGGACGAGAAAATGACTTAGGAACTCAGC[C>A]AAGAGTAATTCGAGTTGCTACTCAAATATCACTGAGGTAAACAAATGTCTAATGATATTA-3'
Protein context (NP_714915.3, residues 449-469): SGRENDLGTQ[Pro459Gln]RVIRVATQIS